The following is an entry in ClinVar:

NM_000051.4(ATM):c.2639-2A>C

Gene: ATM (ATM serine/threonine kinase; plus strand). Cytogenetic location: 11q22.3.
Variant type: single nucleotide variant.
Coding change: c.2639-2A>C on transcript NM_000051.4 (MANE Select); the canonical splice acceptor site of the intron before coding-DNA position 2639, A replaced by C.
Molecular consequence: splice acceptor variant.
Genome position (GRCh38, 1-based): chr11:108,268,408, A>C. VCF-style: chr11-108268408-A-C. GRCh37 (hg19) VCF-style: chr11-108139135-A-C.
Other names: c.2639-2A>C (NM_001351834.2, NM_000051.3).
Identifiers: ClinVar variation 3148115 (VCV003148115.2), dbSNP rs1591593566, ClinGen allele CA382544964.

ClinVar aggregate classification (germline): Likely pathogenic. Review status: criteria provided, multiple submitters, no conflicts (2 of 4 stars). 2 submissions from 2 submitters: Likely pathogenic (2). Last evaluated 2024-05-23.

Conditions:
Hereditary cancer-predisposing syndrome. Also called: Neoplastic Syndromes, Hereditary; Tumor predisposition; Hereditary neoplastic syndrome; Hereditary Cancer Syndrome. Identifiers: Orphanet 140162, MedGen C0027672, MeSH D009386, MONDO:0015356.
Familial cancer of breast. Also called: BREAST CANCER, FAMILIAL; Hereditary breast cancer; hereditary breast carcinoma. Identifiers: Orphanet 227535, MedGen C0346153, MONDO:0016419, OMIM 114480. Disease mechanism: loss of function.

Submissions (2):

Ambry Genetics
Classification: Likely pathogenic for Hereditary cancer-predisposing syndrome. Last evaluated: 2024-05-23. Review status: criteria provided, single submitter. Criteria: Ambry Variant Classification Scheme 2023. Collection method: clinical testing. Allele origin: germline.
Comment: The c.2639-2A>C intronic variant results from an A to C substitution two nucleotides upstream from coding exon 17 in the ATM gene. This variant is considered to be rare based on population cohorts in the Genome Aggregation Database (gnomAD). This nucleotide position is highly conserved in available vertebrate species. In silico splice site analysis predicts that this alteration will weaken the native splice acceptor site and may result in the creation or strengthening of a novel splice acceptor site. RNA studies have demonstrated that this alteration results in abnormal splicing in the set of samples tested (Ambry internal data). Alterations that disrupt the canonical splice site are expected to cause aberrant splicing, resulting in an abnormal protein or a transcript that is subject to nonsense-mediated mRNA decay. As such, this alteration is classified as likely pathogenic.

Myriad Genetics, Inc.
Classification: Likely pathogenic for Familial cancer of breast. Last evaluated: 2024-01-18. Review status: criteria provided, single submitter. Criteria: Myriad Autosomal Dominant, Autosomal Recessive and X-Linked Classification Criteria (2023). Collection method: clinical testing. Allele origin: unknown.
Comment: This variant is considered likely pathogenic. This variant occurs within a consensus splice junction and is predicted to result in abnormal mRNA splicing of either an out-of-frame exon or an in-frame exon necessary for protein stability and/or normal function.